The following is an entry in ClinVar:

NM_004539.4(NARS1):c.449G>C (p.Arg150Pro)

Gene: NARS1 (asparaginyl-tRNA synthetase 1; minus strand). Cytogenetic location: 18q21.31.
Variant type: single nucleotide variant.
Coding change: c.449G>C on transcript NM_004539.4 (MANE Select); coding-DNA position 449, G replaced by C.
Protein change: p.Arg150Pro; replaces arginine 150 with proline.
Molecular consequence: missense variant.
Genome position (GRCh38, 1-based): chr18:57,611,680, C>G on the plus strand (G>C on the coding strand, the complement: NARS1 is on the minus strand). VCF-style: chr18-57611680-C-G. GRCh37 (hg19) VCF-style: chr18-55278912-C-G.
Other names: short protein forms R150P.
Identifiers: ClinVar variation 3175663 (VCV003175663.3), dbSNP rs950453448, ClinGen allele CA300857593.

ClinVar aggregate classification (germline): Uncertain significance. Review status: criteria provided, multiple submitters, no conflicts (2 of 4 stars). 2 submissions from 2 submitters: Uncertain significance (2). Last evaluated 2026-01-26.

Conditions:
NARS1-related disorder. Also called: NARS1-related condition.

Submissions (2):

PreventionGenetics, part of Exact Sciences
Classification: Uncertain significance for NARS1-related condition. Last evaluated: 2026-01-26. Review status: criteria provided, single submitter. Criteria: ACMG Guidelines, 2015. Collection method: clinical testing. Allele origin: germline.
Comment: The NARS1 c.449G>C variant is predicted to result in the amino acid substitution p.Arg150Pro. To our knowledge, this variant has not been reported in the literature or in a large population database (gnomAD), indicating this variant is rare. At this time, the clinical significance of this variant is uncertain due to the absence of conclusive functional and genetic evidence.

Ambry Genetics
Classification: Uncertain significance. Last evaluated: 2025-07-12. Review status: criteria provided, single submitter. Criteria: Ambry Variant Classification Scheme 2023. Collection method: clinical testing. Allele origin: germline.
Comment: The c.449G>C (p.R150P) alteration is located in coding exon 6 of the NARS gene. This alteration results from a G to C substitution at nucleotide position 449, causing the arginine (R) at amino acid position 150 to be replaced by a proline (P). This variant was not reported in population-based cohorts in the Genome Aggregation Database (gnomAD). This amino acid position is highly conserved in available vertebrate species. This alteration is predicted to be deleterious by in silico analysis. Based on insufficient or conflicting evidence, the clinical significance of this alteration remains unclear.